The following is an entry in ClinVar:

NM_002354.3(EPCAM):c.890A>T (p.Tyr297Phe)

Gene: EPCAM (epithelial cell adhesion molecule; plus strand). Cytogenetic location: 2p21.
Variant type: single nucleotide variant.
Coding change: c.890A>T on transcript NM_002354.3 (MANE Select); coding-DNA position 890, A replaced by T.
Protein change: p.Tyr297Phe; replaces tyrosine 297 with phenylalanine.
Molecular consequence: missense variant.
Genome position (GRCh38, 1-based): chr2:47,385,197, A>T. VCF-style: chr2-47385197-A-T. GRCh37 (hg19) VCF-style: chr2-47612336-A-T.
Other names: short protein forms Y297F.
Identifiers: ClinVar variation 1765075 (VCV001765075.3), dbSNP rs1166683165, ClinGen allele CA346725333.

ClinVar aggregate classification (germline): Uncertain significance (1 of 4 stars; one submission).

Conditions:
Hereditary cancer-predisposing syndrome. Also called: Neoplastic Syndromes, Hereditary; Tumor predisposition; Hereditary Cancer Syndrome; Hereditary neoplastic syndrome. Identifiers: Orphanet 140162, MedGen C0027672, MeSH D009386, MONDO:0015356.

Allele frequency attached by ClinVar (database versions not stated): TOPMed 0.00001.
gnomAD v4.1: 1 of 1,613,102 alleles (0.000062%); highest among the groups gnomAD compares: African/African-American, 0.0013%; no homozygotes.

Submission:

Ambry Genetics
Classification: Uncertain significance for Hereditary cancer-predisposing syndrome. Last evaluated: 2024-07-27. Review status: criteria provided, single submitter. Criteria: Ambry Variant Classification Scheme 2023. Collection method: clinical testing. Allele origin: germline.
Comment: The p.Y297F variant (also known as c.890A>T), located in coding exon 8 of the EPCAM gene, results from an A to T substitution at nucleotide position 890. The tyrosine at codon 297 is replaced by phenylalanine, an amino acid with highly similar properties. This amino acid position is conserved. In addition, the in silico prediction for this alteration is inconclusive. Since supporting evidence is limited at this time, the clinical significance of this alteration remains unclear.